The following is an entry in ClinVar:

NM_000383.4(AIRE):c.1168A>G (p.Thr390Ala)

Gene: AIRE (autoimmune regulator; plus strand). Cytogenetic location: 21q22.3.
Variant type: single nucleotide variant.
Coding change: c.1168A>G on transcript NM_000383.4 (MANE Select); coding-DNA position 1168, A replaced by G.
Protein change: p.Thr390Ala; replaces threonine 390 with alanine.
Molecular consequence: missense variant.
Genome position (GRCh38, 1-based): chr21:44,293,065, A>G. VCF-style: chr21-44293065-A-G. GRCh37 (hg19) VCF-style: chr21-45712948-A-G.
Other names: c.1168A>G (NM_000383.2); short protein forms T390A.
Identifiers: ClinVar variation 566533 (VCV000566533.14), dbSNP rs771790456, ClinGen allele CA10051970.

ClinVar aggregate classification (germline): Conflicting classifications of pathogenicity. Review status: criteria provided, conflicting classifications (1 of 4 stars). 5 submissions from 5 submitters: Uncertain significance (3); Likely benign (1). 1 of the submissions does not count toward it. Last evaluated 2026-02-13.

Conditions:
Inborn genetic diseases. Identifiers: MedGen C0950123, MeSH D030342.
AIRE-related disorder. Also called: AIRE-related condition.
Polyglandular autoimmune syndrome, type 1 (APS1). Also called: Autoimmune polyendocrinopathy syndrome, type I; AUTOIMMUNE POLYENDOCRINE SYNDROME, TYPE I, WITH OR WITHOUT REVERSIBLE METAPHYSEAL DYSPLASIA; Autoimmune polyendocrinopathy syndrome , type I, with or without reversible metaphyseal dysplasia; APS I; HYPOADRENOCORTICISM WITH HYPOPARATHYROIDISM AND SUPERFICIAL MONILIASIS; PGA I. Identifiers: Orphanet 3453, MedGen C0085859, MONDO:0009411, OMIM 240300.

Allele frequency attached by ClinVar (database versions not stated): gnomAD 0.00006 and 0.00005; gnomAD exomes 0.00013 and 0.00002; ExAC 0.00002; TOPMed 0.00004.
gnomAD v4.1: 187 of 1,612,366 alleles (0.012%); highest among the groups gnomAD compares: Non-Finnish European, 0.016%; no homozygotes.

Submissions (5):

PreventionGenetics, part of Exact Sciences
Classification: Uncertain significance for AIRE-related condition. Last evaluated: 2026-02-13. Review status: criteria provided, single submitter. Criteria: ACMG Guidelines, 2015. Collection method: clinical testing. Allele origin: germline.
Comment: The AIRE c.1168A>G variant is predicted to result in the amino acid substitution p.Thr390Ala. To our knowledge, this variant has not been reported in the literature. This variant is reported in 0.0036% of alleles in individuals of European (Non-Finnish) descent in gnomAD. At this time, the clinical significance of this variant is uncertain due to the absence of conclusive functional and genetic evidence.

Labcorp Genetics (formerly Invitae), Labcorp
Classification: Uncertain significance for Polyglandular autoimmune syndrome, type 1. Last evaluated: 2024-10-14. Review status: criteria provided, single submitter. Criteria: Invitae Variant Classification Sherloc (09022015). Collection method: clinical testing. Allele origin: germline.
Comment: This sequence change replaces threonine, which is neutral and polar, with alanine, which is neutral and non-polar, at codon 390 of the AIRE protein (p.Thr390Ala). This variant is present in population databases (rs771790456, gnomAD 0.003%). This variant has not been reported in the literature in individuals affected with AIRE-related conditions. ClinVar contains an entry for this variant (Variation ID: 566533). Invitae Evidence Modeling of protein sequence and biophysical properties (such as structural, functional, and spatial information, amino acid conservation, physicochemical variation, residue mobility, and thermodynamic stability) indicates that this missense variant is not expected to disrupt AIRE protein function with a negative predictive value of 95%. In summary, the available evidence is currently insufficient to determine the role of this variant in disease. Therefore, it has been classified as a Variant of Uncertain Significance.

Ambry Genetics
Classification: Likely benign for Inborn genetic diseases. Last evaluated: 2023-03-27. Review status: criteria provided, single submitter. Criteria: Ambry Variant Classification Scheme 2023. Collection method: clinical testing. Allele origin: germline.

Blueprint Genetics
Classification: Uncertain significance. Last evaluated: 2022-03-25. Review status: criteria provided, single submitter. Criteria: ACMG Guidelines, 2015. Collection method: clinical testing. Allele origin: germline.

Natera, Inc.
Classification: Uncertain significance for Polyglandular autoimmune syndrome type 1. Last evaluated: 2019-10-28. Review status: no assertion criteria provided. Collection method: clinical testing. Allele origin: germline. Not counted in ClinVar's aggregate classification.